The following is an entry in ClinVar:

NM_000088.4(COL1A1):c.2078C>T (p.Pro693Leu)

Gene: COL1A1 (collagen type I alpha 1 chain; minus strand). Cytogenetic location: 17q21.33.
Variant type: single nucleotide variant.
Coding change: c.2078C>T on transcript NM_000088.4 (MANE Select); coding-DNA position 2078, C replaced by T.
Protein change: p.Pro693Leu; replaces proline 693 with leucine.
Molecular consequence: missense variant.
Genome position (GRCh38, 1-based): chr17:50,191,837, G>A on the plus strand (C>T on the coding strand, the complement: COL1A1 is on the minus strand). VCF-style: chr17-50191837-G-A. GRCh37 (hg19) VCF-style: chr17-48269198-G-A.
Other names: short protein forms P693L.
Identifiers: ClinVar variation 1785493 (VCV001785493.2), dbSNP rs1316033065, ClinGen allele CA400211815.

ClinVar aggregate classification (germline): Uncertain significance (1 of 4 stars; one submission).

Conditions:
Cardiovascular phenotype. Identifiers: MedGen CN230736.

Allele frequency attached by ClinVar (database versions not stated): gnomAD exomes below 0.00001; TOPMed below 0.00001; gnomAD 0.00001.
gnomAD v4.1: 3 of 1,602,844 alleles (0.00019%); highest among the groups gnomAD compares: Non-Finnish European, 0.00026%; no homozygotes.

Submission:

Ambry Genetics
Classification: Uncertain significance for Cardiovascular phenotype. Last evaluated: 2020-12-02. Review status: criteria provided, single submitter. Criteria: Ambry Variant Classification Scheme 2023. Collection method: clinical testing. Allele origin: germline.
Comment: The p.P693L variant (also known as c.2078C>T), located in coding exon 31 of the COL1A1 gene, results from a C to T substitution at nucleotide position 2078. The proline at codon 693 is replaced by leucine, an amino acid with similar properties. This amino acid position is well conserved in available vertebrate species; however, leucine is the reference amino acid in other vertebrate species. In addition, the in silico prediction for this alteration is inconclusive. Since supporting evidence is limited at this time, the clinical significance of this alteration remains unclear.